The following is an entry in ClinVar:

ClinVar aggregate classification (germline): Uncertain significance (1 of 4 stars; one submission).

Conditions:
Inborn genetic diseases. Identifiers: MedGen C0950123, MeSH D030342.

Allele frequency attached by ClinVar (database versions not stated): gnomAD 0.00004; TOPMed 0.00004.
gnomAD v4.1: 8 of 1,612,816 alleles (0.0005%); highest among the groups gnomAD compares: African/African-American, 0.011%; no homozygotes.

Submission:

Ambry Genetics
Classification: Uncertain significance for Inborn genetic diseases. Last evaluated: 2022-04-21. Review status: criteria provided, single submitter. Criteria: Ambry Variant Classification Scheme 2023. Collection method: clinical testing. Allele origin: germline.
Comment: The p.I807M variant (also known as c.2421C>G), located in coding exon 19 of the BUB1B gene, results from a C to G substitution at nucleotide position 2421. The isoleucine at codon 807 is replaced by methionine, an amino acid with highly similar properties. This amino acid position is conserved. In addition, this alteration is predicted to be tolerated by in silico analysis. Since supporting evidence is limited at this time, the clinical significance of this alteration remains unclear.

NM_001211.6(BUB1B):c.2421C>G (p.Ile807Met)

Gene: BUB1B (BUB1 mitotic checkpoint serine/threonine kinase B; plus strand). Cytogenetic location: 15q15.1.
Variant type: single nucleotide variant.
Coding change: c.2421C>G on transcript NM_001211.6 (MANE Select); coding-DNA position 2421, C replaced by G.
Protein change: p.Ile807Met; replaces isoleucine 807 with methionine.
Molecular consequence: missense variant.
Genome position (GRCh38, 1-based): chr15:40,212,534, C>G. VCF-style: chr15-40212534-C-G. GRCh37 (hg19) VCF-style: chr15-40504735-C-G.
Other names: short protein forms I807M.
Identifiers: ClinVar variation 1791024 (VCV001791024.2), dbSNP rs1003355350, ClinGen allele CA268802977.